The following is an entry in ClinVar:

ClinVar aggregate classification (germline): Uncertain significance (1 of 4 stars; one submission).

Submission:

Dasa
Classification: Uncertain significance. Last evaluated: 2026-01-20. Review status: criteria provided, single submitter. Criteria: DASA Assertion Criteria. Collection method: clinical testing. Allele origin: germline.
Comment: NM_001378452.1(ITPR1):c.1825C>G (p.His609Asp) is a missense variant that results in the substitution of histidine with aspartic acid. This variant is absent from population databases. Computational prediction algorithms are consistent with a deleterious effect. The currently available literature and clinical evidence are not sufficient to establish a definitive association between this variant and the reported condition. Therefore, this variant is classified as a variant of uncertain significance.

NM_001378452.1(ITPR1):c.1825C>G (p.His609Asp)

Gene: ITPR1 (inositol 1,4,5-trisphosphate receptor type 1; plus strand). Cytogenetic location: 3p26.1.
Variant type: single nucleotide variant.
Coding change: c.1825C>G on transcript NM_001378452.1 (MANE Select); coding-DNA position 1825, C replaced by G.
Protein change: p.His609Asp; replaces histidine 609 with aspartic acid.
Molecular consequence: missense variant.
Genome position (GRCh38, 1-based): chr3:4,667,488, C>G. VCF-style: chr3-4667488-C-G. GRCh37 (hg19) VCF-style: chr3-4709172-C-G.
Other names: c.1825C>G, p.His609Asp (NM_001099952.4); c.1780C>G, p.His594Asp (NM_001168272.2, NM_002222.7); short protein forms H594D, H609D.
Identifiers: ClinVar variation 4882166 (VCV004882166.2).
Genomic context (GRCh38, chr3:4,667,488, plus strand): 5'-GTGTTGGCTGAAGACACTATCACTGCCCTGCTCCACAATAATCGGAAACTCCTGGAAAAA[C>G]ACATTACCGCGGCAGAGATTGACACATTTGTCAGCCTGGTGCGAAAGAACAGGGAGCCCA-3'
Protein context (NP_001365381.1, residues 599-619): LHNNRKLLEK[His609Asp]ITAAEIDTFV